The following is an entry in ClinVar:

ClinVar aggregate classification (germline): Pathogenic (1 of 4 stars; one submission).

gnomAD v4.1: 4 of 1,613,344 alleles (0.00025%); highest among the groups gnomAD compares: Non-Finnish European, 0.00034%; no homozygotes.

Submission:

Labcorp Genetics (formerly Invitae), Labcorp
Classification: Pathogenic. Last evaluated: 2023-11-28. Review status: criteria provided, single submitter. Criteria: Invitae Variant Classification Sherloc (09022015). Collection method: clinical testing. Allele origin: germline.
Comment: This sequence change creates a premature translational stop signal (p.Gln237*) in the AAAS gene. It is expected to result in an absent or disrupted protein product. Loss-of-function variants in AAAS are known to be pathogenic (PMID: 11159947). This variant is not present in population databases (gnomAD no frequency). This premature translational stop signal has been observed in individual(s) with AAAS-related conditions (PMID: 12008750). For these reasons, this variant has been classified as Pathogenic.

Literature cited by the submitters: PubMed 11159947; PubMed 12008750.

NM_015665.6(AAAS):c.709C>T (p.Gln237Ter)

Gene: AAAS (aladin WD repeat nucleoporin; minus strand). Cytogenetic location: 12q13.13.
Variant type: single nucleotide variant.
Coding change: c.709C>T on transcript NM_015665.6 (MANE Select); coding-DNA position 709, C replaced by T.
Protein change: p.Gln237Ter; replaces glutamine 237 with a stop codon.
Molecular consequence: nonsense.
Genome position (GRCh38, 1-based): chr12:53,309,702, G>A on the plus strand (C>T on the coding strand, the complement: AAAS is on the minus strand). VCF-style: chr12-53309702-G-A. GRCh37 (hg19) VCF-style: chr12-53703486-G-A.
Other names: c.610C>T, p.Gln204Ter (NM_001173466.2); short protein forms Q204*, Q237*.
Identifiers: ClinVar variation 2735888 (VCV002735888.3), dbSNP rs2121089867, ClinGen allele CA385042801.